The following is an entry in ClinVar:

NM_144670.6(A2ML1):c.409+286A>G

Genes: A2ML1 (alpha-2-macroglobulin like 1; plus strand), A2ML1-AS1 (A2ML1 antisense RNA 1; minus strand). Cytogenetic location: 12p13.31.
Variant type: single nucleotide variant.
Coding change: c.409+286A>G on transcript NM_144670.6 (MANE Select); 286 bases into the intron after coding-DNA position 409, A replaced by G.
Molecular consequence: intron variant.
Genome position (GRCh38, 1-based): chr12:8,824,168, A>G. VCF-style: chr12-8824168-A-G. GRCh37 (hg19) VCF-style: chr12-8976764-A-G.
Identifiers: ClinVar variation 561804 (VCV000561804.1), dbSNP rs10842349, ClinGen allele CA232653260.

ClinVar aggregate classification (germline): Benign (1 of 4 stars; one submission).

Allele frequency attached by ClinVar (database versions not stated): 1000 Genomes Project 0.61701; 1000 Genomes Project 30x 0.61743; TOPMed 0.74898; gnomAD 0.76550 and 0.77235.
gnomAD v4.1: 114,986 of 150,002 alleles (77%); highest among the groups gnomAD compares: Non-Finnish European, 91%; 46,084 homozygotes.

Submission:

GeneDx
Classification: Benign. Last evaluated: 2018-06-14. Review status: criteria provided, single submitter. Criteria: GeneDx Variant Classification (06012015). Collection method: clinical testing. Allele origin: germline. Affected: yes.
Comment: This variant is considered likely benign or benign based on one or more of the following criteria: it is a conservative change, it occurs at a poorly conserved position in the protein, it is predicted to be benign by multiple in silico algorithms, and/or has population frequency not consistent with disease.